The following is an entry in ClinVar:

NM_001003787.4(STRADA):c.245TGA[1] (p.Met83del)

Gene: STRADA (STE20 related adaptor alpha; minus strand). Cytogenetic location: 17q23.3.
Variant type: Microsatellite.
Coding change: c.245TGA[1] on transcript NM_001003787.4 (MANE Select); one copy of the 3-base unit TGA starting at c.245; the reference has two copies in a row; one copy, 3 bases deleted.
Protein change: p.Met83del; deletes methionine 83.
Molecular consequence: inframe deletion. On other transcripts: non-coding transcript variant (1).
Genome position (GRCh38, 1-based): chr17:63,713,504-63,713,506, TCA deleted on the plus strand (TGA on the coding strand, the reverse complement: STRADA is on the minus strand); deleting any 3 consecutive bases within chr17:63,713,504-63,713,509 gives the same sequence; the position shown is the placement nearest the transcript's 3' end. VCF-style (leftmost placement, unchanged base first): chr17-63713503-GTCA-G. GRCh37 (hg19) VCF-style: chr17-61790863-GTCA-G.
Other names: c.134TGA[1], p.Met46del (NM_001003786.3, NM_001363789.1, NM_153335.6); c.71TGA[1], p.Met25del (NM_001003788.3, NM_001363790.1, NM_001363791.1); c.158TGA[1], p.Met54del (NM_001165969.2, NM_001363787.1); c.113TGA[1], p.Met39del (NM_001165970.2); c.221TGA[1], p.Met75del (NM_001363786.1); c.245TGA[1], p.Met83del (NM_001363788.1); short protein forms M39del, M54del, M83del, M75del, M25del, M46del.
Identifiers: ClinVar variation 1040839 (VCV001040839.7), dbSNP rs1255799252, ClinGen allele CA626850966.

ClinVar aggregate classification (germline): Uncertain significance (1 of 4 stars; one submission).

Conditions:
Polyhydramnios, megalencephaly, and symptomatic epilepsy (PMSE). Also called: PMSE SYNDROME. Identifiers: Orphanet 500533, MedGen C1970203, MONDO:0012611, OMIM 611087.

Submission:

Labcorp Genetics (formerly Invitae), Labcorp
Classification: Uncertain significance for Polyhydramnios, megalencephaly, and symptomatic epilepsy. Last evaluated: 2020-01-25. Review status: criteria provided, single submitter. Criteria: Invitae Variant Classification Sherloc (09022015). Collection method: clinical testing. Allele origin: germline.
Comment: In summary, the available evidence is currently insufficient to determine the role of this variant in disease. Therefore, it has been classified as a Variant of Uncertain Significance. Experimental studies and prediction algorithms are not available or were not evaluated, and the functional significance of this variant is currently unknown. This variant has not been reported in the literature in individuals with STRADA-related conditions. This variant is not present in population databases (ExAC no frequency). This variant, c.248_250del, results in the deletion of 1 amino acid(s) of the STRADA protein (p.Met83del), but otherwise preserves the integrity of the reading frame.